The following is an entry in ClinVar:

NM_183357.3(ADCY5):c.959C>A (p.Pro320Gln)

Gene: ADCY5 (adenylate cyclase 5; minus strand). Cytogenetic location: 3q21.1.
Variant type: single nucleotide variant.
Coding change: c.959C>A on transcript NM_183357.3 (MANE Select); coding-DNA position 959, C replaced by A.
Protein change: p.Pro320Gln; replaces proline 320 with glutamine.
Molecular consequence: missense variant.
Genome position (GRCh38, 1-based): chr3:123,447,587, G>T on the plus strand (C>A on the coding strand, the complement: ADCY5 is on the minus strand). VCF-style: chr3-123447587-G-T. GRCh37 (hg19) VCF-style: chr3-123166434-G-T.
Other names: c.959C>A, p.Pro320Gln (NM_001378259.1); short protein forms P320Q.
Identifiers: ClinVar variation 3234284 (VCV003234284.20), dbSNP rs1335500504, ClinGen allele CA354356248.
Genomic context (GRCh38, chr3:123,447,587, plus strand): 5'-TAGATGGTGTAGATGAAGAACACGGTCCACCAGATGCCCTCAGAGGCGCTGCGTGGCTGC[G>T]GCAGCAGCAGGCCCACCACCTGGACGGCCAGCACCACGGCGATGAGCGCATAGCAGGCCA-3'
Protein context (NP_899200.1, residues 310-330): LAVQVVGLLL[Pro320Gln]QPRSASEGIW

ClinVar aggregate classification (germline): Uncertain significance (1 of 4 stars; one submission).

Allele frequency attached by ClinVar (database versions not stated): TOPMed below 0.00001.
gnomAD v4.1: 4 of 1,607,506 alleles (0.00025%); highest among the groups gnomAD compares: Non-Finnish European, 0.00025%; no homozygotes.

Submission:

CeGaT Center for Human Genetics Tuebingen
Classification: Uncertain significance. Last evaluated: 2024-04-01. Review status: criteria provided, single submitter. Criteria: CeGaT Center For Human Genetics Tuebingen Variant Classification Criteria Version 2. Collection method: clinical testing. Allele origin: germline. Affected: yes. Observed: 1 variant allele.
Comment: ADCY5: PM2